The following is an entry in ClinVar:

NM_002206.3(ITGA7):c.1410-3del

Gene: ITGA7 (integrin subunit alpha 7; minus strand). Cytogenetic location: 12q13.2.
Variant type: Deletion.
Coding change: c.1410-3del on transcript NM_002206.3 (MANE Select); 3 bases into the intron before coding-DNA position 1410, one base deleted (C; older notation c.1410-3delC).
Molecular consequence: intron variant.
Genome position (GRCh38, 1-based): chr12:55,697,549, G deleted on the plus strand (C on the coding strand, the reverse complement: ITGA7 is on the minus strand); the first of 3 consecutive G bases (chr12:55,697,549-55,697,551); deleting any one gives the same sequence. VCF-style (leftmost placement, unchanged base first): chr12-55697548-TG-T. GRCh37 (hg19) VCF-style: chr12-56091332-TG-T.
Other names: p.?; c.1410-3delC (NM_002206.2); c.1131-3del (NM_001144997.2); c.1083-3del (NM_001367993.1); c.1071-3del (NM_001414035.1); c.1227-3del (NM_001414033.1); c.66-3del (NM_001367994.1); c.1290-3del (NM_001414032.1); and 5 more.
Identifiers: ClinVar variation 193638 (VCV000193638.63), dbSNP rs773251917, ClinGen allele CA200699.

ClinVar aggregate classification (germline): Benign/Likely benign. Review status: criteria provided, multiple submitters, no conflicts (2 of 4 stars). 8 submissions from 8 submitters: Benign (3); Likely benign (4). 1 of the submissions does not count toward it. Last evaluated 2026-05-01.

Conditions:
ITGA7-related disorder. Also called: ITGA7-related condition.
Congenital muscular dystrophy due to integrin alpha-7 deficiency. Also called: MYOPATHY, CONGENITAL, DUE TO INTEGRIN ALPHA-7 DEFICIENCY; Congenital muscular dystrophy with integrin alpha-7 deficiency; Muscular dystrophy, congenital, due to ITGA7 deficiency. Identifiers: Orphanet 34520, MedGen C2750786, MONDO:0013177, OMIM 613204.

Submissions (8):

CeGaT Center for Human Genetics Tuebingen
Classification: Likely benign. Last evaluated: 2026-05-01. Review status: criteria provided, single submitter. Criteria: CeGaT Center For Human Genetics Tuebingen Variant Classification Criteria Version 2. Collection method: clinical testing. Allele origin: germline. Affected: yes. Observed: 20 variant alleles.
Comment: ITGA7: BP4, BS2

Labcorp Genetics (formerly Invitae), Labcorp
Classification: Likely benign for Congenital muscular dystrophy due to integrin alpha-7 deficiency. Last evaluated: 2026-01-26. Review status: criteria provided, single submitter. Criteria: Invitae Variant Classification Sherloc (09022015). Collection method: clinical testing. Allele origin: germline.

Fulgent Genetics
Classification: Likely benign for Congenital muscular dystrophy due to integrin alpha-7 deficiency. Last evaluated: 2021-11-08. Review status: criteria provided, single submitter. Criteria: ACMG Guidelines, 2015. Collection method: clinical testing. Allele origin: unknown.

Athena Diagnostics
Classification: Benign. Last evaluated: 2020-03-04. Review status: criteria provided, single submitter. Criteria: Athena Diagnostics Criteria. Collection method: clinical testing. Allele origin: unknown.

Mayo Clinic Laboratories, Mayo Clinic
Classification: Benign. Last evaluated: 2019-08-15. Review status: criteria provided, single submitter. Criteria: ACMG Guidelines, 2015. Collection method: clinical testing. Allele origin: germline. Observed: 5 variant alleles.

GeneDx
Classification: Likely benign. Last evaluated: 2018-03-09. Review status: criteria provided, single submitter. Criteria: GeneDx Variant Classification (06012015). Collection method: clinical testing. Allele origin: germline. Affected: yes.
Comment: This variant is considered likely benign or benign based on one or more of the following criteria: it is a conservative change, it occurs at a poorly conserved position in the protein, it is predicted to be benign by multiple in silico algorithms, and/or has population frequency not consistent with disease.

Eurofins Ntd Llc (ga)
Classification: Benign. Last evaluated: 2015-03-25. Review status: criteria provided, single submitter. Criteria: EGL Classification Definitions 2015. Collection method: clinical testing. Allele origin: germline. Observed: 3 variant alleles, 2 heterozygotes.

PreventionGenetics, part of Exact Sciences
Classification: Likely benign for ITGA7-related condition. Last evaluated: 2019-09-05. Review status: no assertion criteria provided. Collection method: clinical testing. Allele origin: germline. Not counted in ClinVar's aggregate classification.
Comment: This variant is classified as likely benign based on ACMG/AMP sequence variant interpretation guidelines (Richards et al. 2015 PMID: 25741868, with internal and published modifications).